The following is an entry in ClinVar:

NM_000093.5(COL5A1):c.2079C>T (p.Pro693=)

Gene: COL5A1 (collagen type V alpha 1 chain; plus strand). Cytogenetic location: 9q34.3.
Variant type: single nucleotide variant.
Coding change: c.2079C>T on transcript NM_000093.5 (MANE Select); coding-DNA position 2079, C replaced by T.
Protein change: p.Pro693=; no amino-acid change (proline 693 retained).
Molecular consequence: synonymous variant.
Genome position (GRCh38, 1-based): chr9:134,765,725, C>T. VCF-style: chr9-134765725-C-T. GRCh37 (hg19) VCF-style: chr9-137657571-C-T.
Other names: c.2079C>T, p.Pro693= (NM_001278074.1).
Identifiers: ClinVar variation 386635 (VCV000386635.12), dbSNP rs186098435, ClinGen allele CA5319138.

ClinVar aggregate classification (germline): Likely benign. Review status: criteria provided, multiple submitters, no conflicts (2 of 4 stars). 4 submissions from 4 submitters: Likely benign (4). Last evaluated 2025-06-11.

Conditions:
Familial thoracic aortic aneurysm and aortic dissection (TAAD). Also called: Thoracic aortic aneurysms and dissections. Identifiers: Orphanet 91387, MedGen C4707243, MONDO:0019625.
Ehlers-Danlos syndrome, classic type, 1 (EDSCL1). Also called: Ehlers-Danlos syndrome, type 1; Ehlers-Danlos Syndrome, Classic Type, COL5A1-Related; EDS I; EHLERS-DANLOS SYNDROME, GRAVIS TYPE; EHLERS-DANLOS SYNDROME, SEVERE CLASSIC TYPE. Identifiers: MedGen C0268335, MONDO:0019567, OMIM 130000.

Allele frequency attached by ClinVar (database versions not stated): TOPMed 0.00001; gnomAD 0.00003 and 0.00005; gnomAD exomes 0.00004; ExAC 0.00005; 1000 Genomes Project 30x 0.00047; 1000 Genomes Project 0.00060.
gnomAD v4.1: 31 of 1,612,842 alleles (0.0019%); highest among the groups gnomAD compares: South Asian, 0.0099%; no homozygotes.

Submissions (4):

Labcorp Genetics (formerly Invitae), Labcorp
Classification: Likely benign for Ehlers-Danlos syndrome, classic type, 1. Last evaluated: 2025-06-11. Review status: criteria provided, single submitter. Criteria: Invitae Variant Classification Sherloc (09022015). Collection method: clinical testing. Allele origin: germline.

Blueprint Genetics
Classification: Likely benign. Last evaluated: 2024-02-19. Review status: criteria provided, single submitter. Criteria: ACMG Guidelines, 2015. Collection method: clinical testing. Allele origin: germline.

Ambry Genetics
Classification: Likely benign for Familial thoracic aortic aneurysm and aortic dissection. Last evaluated: 2023-01-05. Review status: criteria provided, single submitter. Criteria: Ambry Variant Classification Scheme 2023. Collection method: clinical testing. Allele origin: germline.

GeneDx
Classification: Likely benign. Last evaluated: 2016-06-01. Review status: criteria provided, single submitter. Criteria: GeneDx Variant Classification (06012015). Collection method: clinical testing. Allele origin: germline. Affected: yes.
Comment: This variant is considered likely benign or benign based on one or more of the following criteria: it is a conservative change, it occurs at a poorly conserved position in the protein, it is predicted to be benign by multiple in silico algorithms, and/or has population frequency not consistent with disease.